The following is an entry in ClinVar:

ClinVar aggregate classification (germline): Uncertain significance (1 of 4 stars; one submission).

Allele frequency attached by ClinVar (database versions not stated): gnomAD exomes below 0.00001 and 0.00002; TOPMed below 0.00001; ExAC 0.00001.
gnomAD v4.1: 30 of 1,614,168 alleles (0.0019%); highest among the groups gnomAD compares: Non-Finnish European, 0.0025%; no homozygotes.

Submission:

Labcorp Genetics (formerly Invitae), Labcorp
Classification: Uncertain significance. Last evaluated: 2022-04-07. Review status: criteria provided, single submitter. Criteria: Invitae Variant Classification Sherloc (09022015). Collection method: clinical testing. Allele origin: germline.
Comment: This sequence change falls in intron 7 of the PPP2R5D gene. It does not directly change the encoded amino acid sequence of the PPP2R5D protein. In summary, the available evidence is currently insufficient to determine the role of this variant in disease. Therefore, it has been classified as a Variant of Uncertain Significance. Algorithms developed to predict the effect of sequence changes on RNA splicing suggest that this variant may create or strengthen a splice site. This variant has not been reported in the literature in individuals affected with PPP2R5D-related conditions. This variant is present in population databases (rs768194468, gnomAD 0.0009%).

NM_006245.4(PPP2R5D):c.857+7C>T

Gene: PPP2R5D (protein phosphatase 2 regulatory subunit B'delta; plus strand). Cytogenetic location: 6p21.1.
Variant type: single nucleotide variant.
Coding change: c.857+7C>T on transcript NM_006245.4 (MANE Select); 7 bases into the intron after coding-DNA position 857, C replaced by T.
Molecular consequence: intron variant.
Genome position (GRCh38, 1-based): chr6:43,008,072, C>T. VCF-style: chr6-43008072-C-T. GRCh37 (hg19) VCF-style: chr6-42975810-C-T.
Other names: c.404+7C>T (NM_001270476.2); c.761+7C>T (NM_180976.3); c.539+7C>T (NM_180977.3).
Identifiers: ClinVar variation 1423166 (VCV001423166.6), dbSNP rs768194468, ClinGen allele CA3811916.